The following is an entry in ClinVar:

ClinVar aggregate classification (germline): Uncertain significance. Review status: criteria provided, multiple submitters, no conflicts (2 of 4 stars). 2 submissions from 2 submitters: Uncertain significance (2). Last evaluated 2025-01-20.

Allele frequency attached by ClinVar (database versions not stated): TOPMed below 0.00001; gnomAD 0.00001 and 0.00003; gnomAD exomes 0.00002; ExAC 0.00003; 1000 Genomes Project 30x 0.00016; 1000 Genomes Project 0.00020.
gnomAD v4.1: 19 of 1,613,618 alleles (0.0012%); highest among the groups gnomAD compares: South Asian, 0.0099%; no homozygotes.

Submissions (2):

Ambry Genetics
Classification: Uncertain significance. Last evaluated: 2025-01-20. Review status: criteria provided, single submitter. Criteria: Ambry Variant Classification Scheme 2023. Collection method: clinical testing. Allele origin: germline.

Labcorp Genetics (formerly Invitae), Labcorp
Classification: Uncertain significance. Last evaluated: 2022-06-04. Review status: criteria provided, single submitter. Criteria: Invitae Variant Classification Sherloc (09022015). Collection method: clinical testing. Allele origin: germline.
Comment: This sequence change replaces arginine, which is basic and polar, with cysteine, which is neutral and slightly polar, at codon 578 of the DEF6 protein (p.Arg578Cys). This variant is present in population databases (rs575437972, gnomAD 0.006%). This variant has not been reported in the literature in individuals affected with DEF6-related conditions. ClinVar contains an entry for this variant (Variation ID: 1466217). Algorithms developed to predict the effect of missense changes on protein structure and function are either unavailable or do not agree on the potential impact of this missense change (SIFT: "Deleterious"; PolyPhen-2: "Benign"; Align-GVGD: "Class C0"). In summary, the available evidence is currently insufficient to determine the role of this variant in disease. Therefore, it has been classified as a Variant of Uncertain Significance.

NM_022047.4(DEF6):c.1732C>T (p.Arg578Cys)

Gene: DEF6 (DEF6 guanine nucleotide exchange factor; plus strand). Cytogenetic location: 6p21.31.
Variant type: single nucleotide variant.
Coding change: c.1732C>T on transcript NM_022047.4 (MANE Select); coding-DNA position 1732, C replaced by T.
Protein change: p.Arg578Cys; replaces arginine 578 with cysteine.
Molecular consequence: missense variant.
Genome position (GRCh38, 1-based): chr6:35,321,246, C>T. VCF-style: chr6-35321246-C-T. GRCh37 (hg19) VCF-style: chr6-35289023-C-T.
Other names: c.1732C>T (NM_022047.3); short protein forms R578C.
Identifiers: ClinVar variation 1466217 (VCV001466217.6), dbSNP rs575437972, ClinGen allele CA3770999.